The following is an entry in ClinVar:

NM_000263.4(NAGLU):c.2045T>G (p.Leu682Arg)

Gene: NAGLU (N-acetyl-alpha-glucosaminidase; plus strand). Cytogenetic location: 17q21.2.
Variant type: single nucleotide variant.
Coding change: c.2045T>G on transcript NM_000263.4 (MANE Select); coding-DNA position 2045, T replaced by G.
Protein change: p.Leu682Arg; replaces leucine 682 with arginine.
Molecular consequence: missense variant.
Genome position (GRCh38, 1-based): chr17:42,544,051, T>G. VCF-style: chr17-42544051-T-G. GRCh37 (hg19) VCF-style: chr17-40696069-T-G.
Other names: short protein forms L682R.
Identifiers: ClinVar variation 1323323 (VCV001323323.36), dbSNP rs2092930339, ClinGen allele CA399605985.

ClinVar aggregate classification (germline): Pathogenic/Likely pathogenic. Review status: criteria provided, multiple submitters, no conflicts (2 of 4 stars). 6 submissions from 6 submitters: Pathogenic (3); Likely pathogenic (3). Last evaluated 2026-02-23.

Conditions:
Mucopolysaccharidosis, MPS-III-B (MPS3B). Also called: N-ACETYL-ALPHA-D-GLUCOSAMINIDASE DEFICIENCY; NAGLU DEFICIENCY; SANFILIPPO SYNDROME B; MPS III B; MUCOPOLYSACCHARIDOSIS, TYPE IIIB; MPS IIIB (Sanfilippo Syndrome Type B). Identifiers: Orphanet 79270, MedGen C0086648, MONDO:0009656, OMIM 252920.
Charcot-Marie-Tooth disease axonal type 2V. Also called: CHARCOT-MARIE-TOOTH NEUROPATHY, TYPE 2V; CHARCOT-MARIE-TOOTH DISEASE, AXONAL, AUTOSOMAL DOMINANT, TYPE 2V. Identifiers: Orphanet 447964, MedGen C5569050, MONDO:0014665, OMIM 616491.

gnomAD v4.1: 1 of 1,613,514 alleles (0.000062%); highest among the groups gnomAD compares: Non-Finnish European, 0.000085%; no homozygotes.

Submissions (6):

Women's Health and Genetics/Laboratory Corporation of America, LabCorp
Classification: Pathogenic for Mucopolysaccharidosis, MPS-III-B. Last evaluated: 2026-02-23. Review status: criteria provided, single submitter. Criteria: LabCorp Variant Classification Summary - May 2015. Collection method: clinical testing. Allele origin: germline.
Comment: Variant summary: NAGLU c.2045T>G (p.Leu682Arg) results in a non-conservative amino acid change in the encoded protein sequence. Algorithms developed to predict the effect of missense changes on protein structure and function all suggest that this variant is likely to be disruptive. The frequency data for this variant in gnomAD is considered unreliable, as metrics indicate poor data quality at this position. c.2045T>G has been observed in compound heterozygous and homozygous individuals affected with Mucopolysaccharidosis Type IIIB (Sanfilippo Syndrome B) (e.g. Emre_2002, Ozkinay_2021, Schmidtchen_1998). These data indicate that the variant is likely to be associated with disease. At least one publication reports experimental evidence evaluating an impact on protein function showing significently reduced enzyme activity in vitro (e.g. Schmidtchen_1998). The following publications have been ascertained in the context of this evaluation (PMID: 11793481, 33747789, 9443878). ClinVar contains an entry for this variant (Variation ID: 1323323). Based on the evidence outlined above, the variant was classified as pathogenic.

Labcorp Genetics (formerly Invitae), Labcorp
Classification: Pathogenic for Charcot-Marie-Tooth disease axonal type 2V; Mucopolysaccharidosis, MPS-III-B. Last evaluated: 2025-12-04. Review status: criteria provided, single submitter. Criteria: Invitae Variant Classification Sherloc (09022015). Collection method: clinical testing. Allele origin: germline.
Comment: This sequence change replaces leucine, which is neutral and non-polar, with arginine, which is basic and polar, at codon 682 of the NAGLU protein (p.Leu682Arg). This variant is not present in population databases (gnomAD no frequency). This missense change has been observed in individual(s) with autosomal recessive mucopolysaccharidosis type IIIB (MPS IIIB) (PMID: 9443878, 11793481, 33747789). ClinVar contains an entry for this variant (Variation ID: 1323323). Invitae Evidence Modeling of protein sequence and biophysical properties (such as structural, functional, and spatial information, amino acid conservation, physicochemical variation, residue mobility, and thermodynamic stability) indicates that this missense variant is expected to disrupt NAGLU protein function with a positive predictive value of 95%. Experimental studies have shown that this missense change affects NAGLU function (PMID: 9443878). For these reasons, this variant has been classified as Pathogenic.

Natera, Inc.
Classification: Likely pathogenic for Mucopolysaccharidosis type IIIB. Last evaluated: 2024-11-22. Review status: criteria provided, single submitter. Criteria: Natera Variant Classification Schema (03/2026). Collection method: clinical testing. Allele origin: germline.
Comment: The c.2045T>G variant in NAGLU is a missense variant predicted to cause substitution of leucine to arginine at amino acid 682. This variant is rare in the general population with a frequency below the threshold expected for the associated phenotype(s). This variant has been observed in one or more individuals affected with the associated recessive disease, as either homozygous or compound heterozygous with a second variant (PMID: 38425718, 9443878). Functional studies show that this variant may disrupt protein function (PMID: 9443878, 29979746). Computational prediction algorithms indicate this variant is likely to affect gene or protein function. Given the available evidence, this variant is classified as Likely Pathogenic.

Fulgent Genetics
Classification: Likely pathogenic for Mucopolysaccharidosis, MPS-III-B; Charcot-Marie-Tooth disease axonal type 2V. Last evaluated: 2024-03-05. Review status: criteria provided, single submitter. Criteria: ACMG Guidelines, 2015. Collection method: clinical testing. Allele origin: germline.

CeGaT Center for Human Genetics Tuebingen
Classification: Likely pathogenic. Last evaluated: 2024-01-01. Review status: criteria provided, single submitter. Criteria: CeGaT Center For Human Genetics Tuebingen Variant Classification Criteria Version 2. Collection method: clinical testing. Allele origin: germline. Affected: yes. Observed: 1 variant allele.
Comment: NAGLU: PM2, PM3, PP4, PS3:Supporting

Revvity Omics, Revvity
Classification: Pathogenic. Last evaluated: 2021-02-03. Review status: criteria provided, single submitter. Criteria: ACMG Guidelines, 2015. Collection method: clinical testing. Allele origin: germline.

Literature cited by the submitters: PubMed 9443878 (cited by 3 submitters); PubMed 33747789 (cited by Women's Health and Genetics/Laboratory Corporation of America, LabCorp and Labcorp Genetics (formerly Invitae), Labcorp); PubMed 11793481 (cited by Women's Health and Genetics/Laboratory Corporation of America, LabCorp and Labcorp Genetics (formerly Invitae), Labcorp); PubMed 38425718 (cited by Natera, Inc.); PubMed 29979746 (cited by Natera, Inc.).